The following is an entry in ClinVar:

ClinVar aggregate classification (germline): Uncertain significance. Review status: criteria provided, single submitter (1 of 4 stars). 2 submissions from 2 submitters: Uncertain significance (1). 1 of the submissions does not count toward it. Last evaluated 2026-02-27.

Conditions:
DDX41-related hematologic malignancy predisposition syndrome. Also called: DDX41-Associated Familial Myelodysplastic Syndrome and Acute Myeloid Leukemia; Myeloproliferative/lymphoproliferative neoplasms, familial (multiple types), susceptibility to. Identifiers: Orphanet 488647, MedGen C4225174, MONDO:0014809, OMIM 616871.
Inborn genetic diseases. Identifiers: MedGen C0950123, MeSH D030342.

Allele frequency attached by ClinVar (database versions not stated): gnomAD exomes below 0.00001.
gnomAD v4.1: 2 of 1,613,638 alleles (0.00012%); highest among the groups gnomAD compares: Non-Finnish European, 0.000085%; no homozygotes.

Submissions (2):

Ambry Genetics
Classification: Uncertain significance for Inborn genetic diseases. Last evaluated: 2026-02-27. Review status: criteria provided, single submitter. Criteria: Ambry Variant Classification Scheme 2023. Collection method: clinical testing. Allele origin: germline.
Comment: The p.P321L variant (also known as c.962C>T), located in coding exon 10 of the DDX41 gene, results from a C to T substitution at nucleotide position 962. The proline at codon 321 is replaced by leucine, an amino acid with similar properties. This amino acid position is highly conserved in available vertebrate species. In addition, the in silico prediction for this alteration is inconclusive. Based on the available evidence, the clinical significance of this variant remains unclear.

Clinical Genomics Labs, University Health Network
Classification: Uncertain significance for DDX41-related hematologic malignancy predisposition syndrome. Last evaluated: 2020-10-13. Review status: no assertion criteria provided. Criteria: ACMG Guidelines, 2015. Collection method: clinical testing. Allele origin: germline. Affected: yes. Not counted in ClinVar's aggregate classification.

NM_016222.4(DDX41):c.962C>T (p.Pro321Leu)

Gene: DDX41 (DEAD-box helicase 41; minus strand). Cytogenetic location: 5q35.3.
Variant type: single nucleotide variant.
Coding change: c.962C>T on transcript NM_016222.4 (MANE Select); coding-DNA position 962, C replaced by T.
Protein change: p.Pro321Leu; replaces proline 321 with leucine.
Molecular consequence: missense variant.
Genome position (GRCh38, 1-based): chr5:177,513,821, G>A on the plus strand (C>T on the coding strand, the complement: DDX41 is on the minus strand). VCF-style: chr5-177513821-G-A. GRCh37 (hg19) VCF-style: chr5-176940822-G-A.
Other names: c.962C>T (NM_016222.2); c.584C>T, p.Pro195Leu (NM_001321732.2, NM_001321830.2); short protein forms P195L, P321L.
Identifiers: ClinVar variation 2500230 (VCV002500230.2), dbSNP rs2532081211, ClinGen allele CA362374554.